The following is an entry in ClinVar:

NM_000352.6(ABCC8):c.637del (p.Leu213fs)

Gene: ABCC8 (ATP binding cassette subfamily C member 8; minus strand). Cytogenetic location: 11p15.1.
Variant type: Deletion.
Coding change: c.637del on transcript NM_000352.6 (MANE Select); coding-DNA position 637, one base deleted (C; older notation c.637delC).
Protein change: p.Leu213fs; shifts the reading frame from leucine 213.
Molecular consequence: frameshift variant. On other transcripts: non-coding transcript variant (1).
Genome position (GRCh38, 1-based): chr11:17,461,768, G deleted on the plus strand (C on the coding strand, the reverse complement: ABCC8 is on the minus strand); the first of 2 consecutive G bases (chr11:17,461,768-17,461,769); deleting either gives the same sequence. VCF-style (leftmost placement, unchanged base first): chr11-17461767-AG-A. GRCh37 (hg19) VCF-style: chr11-17483314-AG-A.
Other names: c.637del, p.Leu213fs (NM_001287174.3, NM_001351295.2, NM_001351296.2 and 1 more transcripts); short protein forms L213fs.
Identifiers: ClinVar variation 4818257 (VCV004818257.1).

ClinVar aggregate classification (germline): Likely pathogenic (1 of 4 stars; one submission).

Conditions:
Hereditary hyperinsulinism.

Submission:

Natera, Inc.
Classification: Likely pathogenic for Hereditary hyperinsulinism. Last evaluated: 2025-11-25. Review status: criteria provided, single submitter. Criteria: Natera Variant Classification Schema (03/2026). Collection method: clinical testing. Allele origin: germline.
Comment: The c.637del variant in ABCC8 is a frameshift variant predicted to shift the reading frame beginning at codon 213 and leads to a stop codon 10 codons downstream. This variant is expected to result in nonsense mediated decay, truncation, or a dysfunctional protein product. This variant is rare in the general population with a frequency below the threshold expected for the associated phenotype(s). Given the available evidence, this variant is classified as Likely Pathogenic.